The following is an entry in ClinVar:

NM_014112.5(TRPS1):c.926C>T (p.Ser309Phe)

Gene: TRPS1 (transcriptional repressor GATA binding 1; minus strand). Cytogenetic location: 8q23.3.
Variant type: single nucleotide variant.
Coding change: c.926C>T on transcript NM_014112.5 (MANE Select); coding-DNA position 926, C replaced by T.
Protein change: p.Ser309Phe; replaces serine 309 with phenylalanine.
Molecular consequence: missense variant.
Genome position (GRCh38, 1-based): chr8:115,619,172, G>A on the plus strand (C>T on the coding strand, the complement: TRPS1 is on the minus strand). VCF-style: chr8-115619172-G-A. GRCh37 (hg19) VCF-style: chr8-116631399-G-A.
Other names: c.899C>T, p.Ser300Phe (NM_001282902.3); c.905C>T, p.Ser302Phe (NM_001282903.3); c.887C>T, p.Ser296Phe (NM_001330599.2); short protein forms S302F, S300F, S296F, S309F.
Identifiers: ClinVar variation 2940544 (VCV002940544.3), dbSNP rs768333470, ClinGen allele CA4851919.

ClinVar aggregate classification (germline): Uncertain significance (1 of 4 stars; one submission).

Conditions:
Trichorhinophalangeal dysplasia type I (TRPS1). Also called: TRICHORHINOPHALANGEAL SYNDROME, TYPE I; TRPS I. Identifiers: Orphanet 77258, MedGen C0432233, MONDO:0008596, OMIM 190350.
Trichorhinophalangeal syndrome, type III (TRPS3). Also called: SUGIO-KAJII SYNDROME. Identifiers: Orphanet 77258, MedGen C1860823, OMIM 190351, MONDO:0008597.

Allele frequency attached by ClinVar (database versions not stated): gnomAD exomes below 0.00001; ExAC 0.00001.
gnomAD v4.1: 1 of 1,614,164 alleles (0.000062%); highest among the groups gnomAD compares: Non-Finnish European, 0.000085%; no homozygotes.

Submission:

Labcorp Genetics (formerly Invitae), Labcorp
Classification: Uncertain significance for Trichorhinophalangeal syndrome, type III; Trichorhinophalangeal dysplasia type I. Last evaluated: 2024-08-30. Review status: criteria provided, single submitter. Criteria: Invitae Variant Classification Sherloc (09022015). Collection method: clinical testing. Allele origin: germline.
Comment: This sequence change replaces serine, which is neutral and polar, with phenylalanine, which is neutral and non-polar, at codon 309 of the TRPS1 protein (p.Ser309Phe). This variant is present in population databases (rs768333470, gnomAD 0.0009%). This variant has not been reported in the literature in individuals affected with TRPS1-related conditions. Invitae Evidence Modeling of protein sequence and biophysical properties (such as structural, functional, and spatial information, amino acid conservation, physicochemical variation, residue mobility, and thermodynamic stability) indicates that this missense variant is not expected to disrupt TRPS1 protein function with a negative predictive value of 80%. In summary, the available evidence is currently insufficient to determine the role of this variant in disease. Therefore, it has been classified as a Variant of Uncertain Significance.